The following is an entry in ClinVar:

ClinVar aggregate classification (germline): Uncertain significance (1 of 4 stars; one submission).

Submission:

Ambry Genetics
Classification: Uncertain significance. Last evaluated: 2024-10-17. Review status: criteria provided, single submitter. Criteria: Ambry Variant Classification Scheme 2023. Collection method: clinical testing. Allele origin: germline.
Comment: The p.D829H variant (also known as c.2485G>C), located in coding exon 13 of the PALLD gene, results from a G to C substitution at nucleotide position 2485. The aspartic acid at codon 829 is replaced by histidine, an amino acid with similar properties. This amino acid position is conserved. In addition, the in silico prediction for this alteration is inconclusive. Based on the available evidence, the clinical significance of this variant remains unclear.

NM_001166108.2(PALLD):c.2536G>C (p.Asp846His)

Genes: CBR4 (carbonyl reductase 4; minus strand), PALLD (palladin, cytoskeletal associated protein; plus strand). Cytogenetic location: 4q32.3.
Variant type: single nucleotide variant.
Coding change: c.2536G>C on transcript NM_001166108.2 (MANE Select); coding-DNA position 2536, G replaced by C.
Protein change: p.Asp846His; replaces aspartic acid 846 with histidine.
Molecular consequence: missense variant.
Genome position (GRCh38, 1-based): chr4:168,903,820, G>C. VCF-style: chr4-168903820-G-C. GRCh37 (hg19) VCF-style: chr4-169824971-G-C.
Other names: c.1339G>C, p.Asp447His (NM_001166109.2); c.1024G>C, p.Asp342His (NM_001166110.2); c.364G>C, p.Asp122His (NM_001367567.1, NM_001367569.1); c.415G>C, p.Asp139His (NM_001367568.1, NM_001367570.1); c.2485G>C, p.Asp829His (NM_016081.4); short protein forms D122H, D342H, D447H, D829H, D139H, D846H.
Identifiers: ClinVar variation 3413643 (VCV003413643.1).